The following is an entry in ClinVar:

NM_001134407.3(GRIN2A):c.292C>T (p.Leu98Phe)

Gene: GRIN2A (glutamate ionotropic receptor NMDA type subunit 2A; minus strand). Cytogenetic location: 16p13.2.
Variant type: single nucleotide variant.
Coding change: c.292C>T on transcript NM_001134407.3 (MANE Select); coding-DNA position 292, C replaced by T.
Protein change: p.Leu98Phe; replaces leucine 98 with phenylalanine.
Molecular consequence: missense variant.
Genome position (GRCh38, 1-based): chr16:10,180,120, G>A on the plus strand (C>T on the coding strand, the complement: GRIN2A is on the minus strand). VCF-style: chr16-10180120-G-A. GRCh37 (hg19) VCF-style: chr16-10273977-G-A.
Other names: c.292C>T, p.Leu98Phe (NM_000833.5, NM_001134408.2); short protein forms L98F.
Identifiers: ClinVar variation 646422 (VCV000646422.9), dbSNP rs1596586969, ClinGen allele CA394715335.
Genomic context (GRCh38, chr16:10,180,120, plus strand): 5'-AGGAGATAAAATCCAGCATCTGGGCTACGGCCTCCTGGTCCGTGTCGTCCCCAAACACGA[G>A]GCCGTGGATGCGTGCCCCGGACATGAGGTCGCACACGTGCGTGATGAGGCTCTTGGGGTC-3'
Protein context (NP_001127879.1, residues 88-108): DLMSGARIHG[Leu98Phe]VFGDDTDQEA

ClinVar aggregate classification (germline): Likely pathogenic (1 of 4 stars; one submission).

Conditions:
Landau-Kleffner syndrome (FESD). Also called: EPILEPSY, FOCAL, WITH SPEECH DISORDER AND WITH OR WITHOUT MENTAL RETARDATION; APHASIA, ACQUIRED, WITH EPILEPSY. Identifiers: Orphanet 1945, Orphanet 725, Orphanet 98818, MedGen C0282512, MONDO:0009509, OMIM 245570.

Submission:

Labcorp Genetics (formerly Invitae), Labcorp
Classification: Likely pathogenic for Landau-Kleffner syndrome. Last evaluated: 2018-08-29. Review status: criteria provided, single submitter. Criteria: Invitae Variant Classification Sherloc (09022015). Collection method: clinical testing. Allele origin: germline.
Comment: This sequence change replaces leucine with phenylalanine at codon 98 of the GRIN2A protein (p.Leu98Phe). The leucine residue is weakly conserved and there is a small physicochemical difference between leucine and phenylalanine. This variant is not present in population databases (ExAC no frequency). Algorithms developed to predict the effect of missense changes on protein structure and function are either unavailable or do not agree on the potential impact of this missense change (SIFT: "Deleterious"; PolyPhen-2: "Possibly Damaging"; Align-GVGD: "Class C0"). In summary, the currently available evidence indicates that the variant is pathogenic, but additional data are needed to prove that conclusively. Therefore, this variant has been classified as Likely Pathogenic.